The following is an entry in ClinVar:

ClinVar aggregate classification (germline): Likely benign. Review status: criteria provided, multiple submitters, no conflicts (2 of 4 stars). 3 submissions from 3 submitters: Likely benign (2). 1 of the submissions does not count toward it. Last evaluated 2025-04-18.

Allele frequency attached by ClinVar (database versions not stated): gnomAD exomes below 0.00001 and 0.00001; ExAC 0.00001; gnomAD 0.00001.

Submissions (3):

ARUP Laboratories, Molecular Genetics and Genomics, ARUP Laboratories
Classification: Likely benign. Last evaluated: 2025-04-18. Review status: criteria provided, single submitter. Criteria: ARUP Molecular Germline Variant Investigation Process 2024. Collection method: clinical testing. Allele origin: germline.
Comment: The Hb Old Dominion/Burton-upon-Trent variant (HBB: c.430C>T; p.His144Tyr, also known as His143Tyr when numbered from the mature protein, rs33929415, ClinVar Variation ID: 15565) is reported in the literature in multiple heterozygous individuals with normal hematology (Elder 1998, HbVar and references therein). This variant is only observed on one allele in the Genome Aggregation Database, indicating it is not a common polymorphism (v2.1.1). Computational analyses are uncertain whether this variant is neutral or deleterious (REVEL: 0.653). Functional analyses indicate only a slightly increased oxygen affinity that does not correlate with clinical or hematological symptoms (Elder 1998). However, this variant has been reported to interfere with measurement of HbA1c by some methodologies (Elder 1998). Based on available information, including its presence in multiple clinically unaffected individuals, this variant is considered to be likely benign. References: Link to HbVar database: Elder GE et al. Hemoglobin Old Dominion/Burton-upon-Trent, beta 143 (H21) His-->Tyr, codon 143 CAC-->TAC--a variant with altered oxygen affinity that compromises measurement of glycated hemoglobin in diabetes mellitus: structure, function, and DNA sequence. Mayo Clin Proc. 1998 Apr;73(4):321-8. PMID: 9559035.

Women's Health and Genetics/Laboratory Corporation of America, LabCorp
Classification: Likely benign. Last evaluated: 2021-05-04. Review status: criteria provided, single submitter. Criteria: LabCorp Variant Classification Summary - May 2015. Collection method: clinical testing. Allele origin: germline.
Comment: Variant summary: HBB c.430C>T [p.His144Tyr; also known as Hb Old Dominion/Burton-upon-Trent (OD/BuT) and as legacy name p.His143Tyr] results in a conservative amino acid change located in the Globin domain of the encoded protein sequence. Three of five in-silico tools predict a benign effect of the variant on protein function. The variant allele was found at a frequency of 4e-06 in 251382 control chromosomes. The available data on variant occurrences in the general population are insufficient to allow any conclusion about variant significance. c.430C>T has been reported in the literature in multiple individuals with diabetes mellitus who were identified as having an abnormal hemoglobin that co-elutes with hemoglobinA1c, but had no other evidence of hemoglobinopathy (e.g. Elder_1998, Gilbert_2000, Plaseska-Karanfilska_2000). These findings indicate that the variant is unlikely to be associated with hemoglobin-related disease. The only potential clinical consequence that has been observed for this variant is that it co-elutes with HbAlc on ion exchange chromatography and thereby causes a spurious increase in HbAlc, compromising the utility of this test to monitor the treatment of diabetes mellitus in individuals with the variant. At least one publication reports experimental evidence evaluating an impact on protein function, indicating that the variant had a slight increase in oxygen affinity that did not appear to result in a clinical impact (e.g. Elder_1998). Two clinical diagnostic laboratories have submitted clinical-significance assessments for this variant to ClinVar after 2014 without evidence for independent evaluation. Both laboratories classified the variant as benign/likely benign. Based on the evidence outlined above, the variant was classified as likely benign.

OMIM
Classification: Benign for HEMOGLOBIN BURTON-UPON-TRENT. Last evaluated: 2017-12-12. Review status: no assertion criteria provided. Collection method: literature only. Allele origin: germline. Not counted in ClinVar's aggregate classification.

Literature cited by the submitters: PubMed 10870890 (cited by Women's Health and Genetics/Laboratory Corporation of America, LabCorp); PubMed 9559035 (cited by Women's Health and Genetics/Laboratory Corporation of America, LabCorp and OMIM); PubMed 19429541 (cited by Women's Health and Genetics/Laboratory Corporation of America, LabCorp); PubMed 11186263 (cited by Women's Health and Genetics/Laboratory Corporation of America, LabCorp and OMIM); PubMed 10870885 (cited by OMIM).

NM_000518.4(HBB):c.430C>T (p.His144Tyr)

Genes: HBB (hemoglobin subunit beta; minus strand), LOC107133510 (origin of replication at HBB; plus strand), LOC110006319 (beta-globin gene 3' regulatory region; plus strand). Cytogenetic location: 11p15.4.
Variant type: single nucleotide variant.
Coding change: c.430C>T on transcript NM_000518.4; coding-DNA position 430, C replaced by T.
Protein change: p.His144Tyr; replaces histidine 144 with tyrosine.
Molecular consequence: missense variant (on NM_000518.5).
Genome position (GRCh38, 1-based): chr11:5,225,612, G>A on the plus strand (C>T on the coding strand, the complement: HBB is on the minus strand). VCF-style: chr11-5225612-G-A. GRCh37 (hg19) VCF-style: chr11-5246842-G-A.
Other names: H143Y; Hb Old Dominion/Burton-upon-Trent; c.430C>T, p.His144Tyr (NM_000518.5); short protein forms H144Y.
Identifiers: ClinVar variation 15565 (VCV000015565.15), dbSNP rs33929415, ClinGen allele CA125454.